The following is an entry in ClinVar:

ClinVar aggregate classification (germline): Uncertain significance (1 of 4 stars; one submission).

Allele frequency attached by ClinVar (database versions not stated): TOPMed below 0.00001; gnomAD exomes 0.00001.
gnomAD v4.1: 9 of 1,613,136 alleles (0.00056%); highest among the groups gnomAD compares: South Asian, 0.0044%; no homozygotes.

Submission:

CeGaT Center for Human Genetics Tuebingen
Classification: Uncertain significance. Last evaluated: 2024-05-01. Review status: criteria provided, single submitter. Criteria: CeGaT Center For Human Genetics Tuebingen Variant Classification Criteria Version 2. Collection method: clinical testing. Allele origin: germline. Affected: yes. Observed: 1 variant allele.
Comment: DCTN1: PM2

NM_004082.5(DCTN1):c.83G>A (p.Arg28Gln)

Gene: DCTN1 (dynactin subunit 1; minus strand). Cytogenetic location: 2p13.1.
Variant type: single nucleotide variant.
Coding change: c.83G>A on transcript NM_004082.5 (MANE Select); coding-DNA position 83, G replaced by A.
Protein change: p.Arg28Gln; replaces arginine 28 with glutamine.
Molecular consequence: missense variant. On other transcripts: non-coding transcript variant (1).
Genome position (GRCh38, 1-based): chr2:74,378,196, C>T on the plus strand (G>A on the coding strand, the complement: DCTN1 is on the minus strand). VCF-style: chr2-74378196-C-T. GRCh37 (hg19) VCF-style: chr2-74605323-C-T.
Other names: c.83G>A, p.Arg28Gln (NM_001135040.3, NM_001190837.2); c.32G>A, p.Arg11Gln (NM_001190836.2, NM_001378991.1, NM_001378992.1); short protein forms R11Q, R28Q.
Identifiers: ClinVar variation 3239606 (VCV003239606.19), dbSNP rs1401628373.